The following is an entry in ClinVar:

ClinVar aggregate classification (germline): Uncertain significance. Review status: criteria provided, multiple submitters, no conflicts (2 of 4 stars). 2 submissions from 2 submitters: Uncertain significance (2). Last evaluated 2024-09-08.

Conditions:
Menkes kinky-hair syndrome (MNK). Also called: Copper transport disease; Classic Menkes Disease; Menkes Disease. Identifiers: Orphanet 565, MedGen C0022716, MONDO:0010651, OMIM 309400.
Cutis laxa, X-linked (OHS). Also called: EDS IX; Occipital horn syndrome. Identifiers: Orphanet 198, MedGen C0268353, MONDO:0010572, OMIM 304150.
X-linked distal spinal muscular atrophy type 3. Also called: SPINAL MUSCULAR ATROPHY, DISTAL, X-LINKED RECESSIVE; ATP7A-Related Distal Motor Neuropathy; NEURONOPATHY, DISTAL HEREDITARY MOTOR, X-LINKED; NEUROPATHY, DISTAL HEREDITARY MOTOR, X-LINKED. Identifiers: Orphanet 139557, MedGen C1845359, MONDO:0010338, OMIM 300489.

Submissions (2):

Labcorp Genetics (formerly Invitae), Labcorp
Classification: Uncertain significance for X-linked distal spinal muscular atrophy type 3; Cutis laxa, X-linked; Menkes kinky-hair syndrome. Last evaluated: 2024-09-08. Review status: criteria provided, single submitter. Criteria: Invitae Variant Classification Sherloc (09022015). Collection method: clinical testing. Allele origin: germline.
Comment: This sequence change replaces lysine, which is basic and polar, with asparagine, which is neutral and polar, at codon 243 of the ATP7A protein (p.Lys243Asn). This variant is not present in population databases (gnomAD no frequency). This variant has not been reported in the literature in individuals affected with ATP7A-related conditions. ClinVar contains an entry for this variant (Variation ID: 1677920). Invitae Evidence Modeling of protein sequence and biophysical properties (such as structural, functional, and spatial information, amino acid conservation, physicochemical variation, residue mobility, and thermodynamic stability) indicates that this missense variant is not expected to disrupt ATP7A protein function with a negative predictive value of 95%. In summary, the available evidence is currently insufficient to determine the role of this variant in disease. Therefore, it has been classified as a Variant of Uncertain Significance.

AiLife Diagnostics
Classification: Uncertain significance. Last evaluated: 2022-02-21. Review status: criteria provided, single submitter. Criteria: ACMG Guidelines, 2015. Collection method: clinical testing. Allele origin: germline. Affected: yes. Observed: 1 variant allele.

Literature cited by the submitters: PubMed 33151932 (cited by AiLife Diagnostics).

NM_000052.7(ATP7A):c.729G>T (p.Lys243Asn)

Gene: ATP7A (ATPase copper transporting alpha; plus strand). Cytogenetic location: Xq21.1.
Variant type: single nucleotide variant.
Coding change: c.729G>T on transcript NM_000052.7 (MANE Select); coding-DNA position 729, G replaced by T.
Protein change: p.Lys243Asn; replaces lysine 243 with asparagine.
Molecular consequence: missense variant.
Genome position (GRCh38, 1-based): chrX:77,989,351, G>T. VCF-style: chrX-77989351-G-T. GRCh37 (hg19) VCF-style: chrX-77244847-G-T.
Other names: c.729G>T, p.Lys243Asn (NM_001282224.2); short protein forms K243N.
Identifiers: ClinVar variation 1677920 (VCV001677920.3), dbSNP rs782326318, ClinGen allele CA413600690.
Genomic context (GRCh38, chrX:77,989,351, plus strand): 5'-GGAAATGAAAAAGCAGATTGAAGCTATGGGCTTTCCAGCATTTGTCAAAAAGCAGCCCAA[G>T]TACCTCAAATTGGGAGCTATTGATGTAGAACGTCTAAAGAACACACCAGTTAAATCCTCA-3'
Protein context (NP_000043.4, residues 233-253): GFPAFVKKQP[Lys243Asn]YLKLGAIDVE